The following is an entry in ClinVar:

NM_006206.6(PDGFRA):c.255G>A (p.Leu85=)

Gene: PDGFRA (platelet derived growth factor receptor alpha; plus strand). Cytogenetic location: 4q12.
Variant type: single nucleotide variant.
Coding change: c.255G>A on transcript NM_006206.6 (MANE Select); coding-DNA position 255, G replaced by A.
Protein change: p.Leu85=; no amino-acid change (leucine 85 retained).
Molecular consequence: synonymous variant.
Genome position (GRCh38, 1-based): chr4:54,261,300, G>A. VCF-style: chr4-54261300-G-A. GRCh37 (hg19) VCF-style: chr4-55127467-G-A.
Other names: c.294G>A, p.Leu98= (NM_001347830.2); c.255G>A, p.Leu85= (NM_001347827.2, NM_001347829.2); c.330G>A, p.Leu110= (NM_001347828.2).
Identifiers: ClinVar variation 3225288 (VCV003225288.2), dbSNP rs772413636, ClinGen allele CA2922253.

ClinVar aggregate classification (germline): Benign/Likely benign. Review status: criteria provided, multiple submitters, no conflicts (2 of 4 stars). 2 submissions from 2 submitters: Benign (1); Likely benign (1). Last evaluated 2026-06-16.

Conditions:
Hereditary cancer-predisposing syndrome. Also called: Neoplastic Syndromes, Hereditary; Tumor predisposition; Hereditary Cancer Syndrome; Hereditary neoplastic syndrome. Identifiers: Orphanet 140162, MedGen C0027672, MeSH D009386, MONDO:0015356.
Polyps, multiple and recurrent inflammatory fibroid, gastrointestinal. Identifiers: MedGen C5193005, MONDO:0008285, OMIM 175510.

Allele frequency attached by ClinVar (database versions not stated): TOPMed below 0.00001; ExAC 0.00001; gnomAD exomes below 0.00001.
gnomAD v4.1: 2 of 1,614,076 alleles (0.00012%); highest among the groups gnomAD compares: African/African-American, 0.0013%; no homozygotes.

Submissions (2):

Myriad Genetics, Inc.
Classification: Benign for Polyps, multiple and recurrent inflammatory fibroid, gastrointestinal. Last evaluated: 2026-06-16. Review status: criteria provided, single submitter. Criteria: Myriad Autosomal Dominant, Autosomal Recessive and X-Linked Classification Criteria (2023). Collection method: clinical testing. Allele origin: unknown.
Comment: This variant is considered benign. This variant is a silent/synonymous amino acid change and it is not expected to impact splicing.

Ambry Genetics
Classification: Likely benign for Hereditary cancer-predisposing syndrome. Last evaluated: 2023-10-27. Review status: criteria provided, single submitter. Criteria: Ambry Variant Classification Scheme 2023. Collection method: clinical testing. Allele origin: germline.